The following is an entry in ClinVar:

ClinVar aggregate classification (germline): Benign (0 of 4 stars; one submission).

Conditions:
KCNQ1-related disorder. Also called: KCNQ1-related condition; KCNQ1-related disorders. Identifiers: MedGen CN239322.

Allele frequency attached by ClinVar (database versions not stated): gnomAD 0.62662; TOPMed 0.63386; 1000 Genomes Project 30x 0.74157; 1000 Genomes Project 0.74581.
gnomAD v4.1: 236,538 of 398,460 alleles (59%); highest among the groups gnomAD compares: East Asian, 90%; 73,861 homozygotes.

Submission:

PreventionGenetics, part of Exact Sciences
Classification: Benign for KCNQ1-related condition. Last evaluated: 2019-10-28. Review status: no assertion criteria provided. Collection method: clinical testing. Allele origin: germline.
Comment: This variant is classified as benign based on ACMG/AMP sequence variant interpretation guidelines (Richards et al. 2015 PMID: 25741868, with internal and published modifications).

NM_000218.3(KCNQ1):c.1514+27511T>C

Genes: KCNQ1 (potassium voltage-gated channel subfamily Q member 1; plus strand), KCNQ1OT1 (KCNQ1 opposite strand/antisense transcript 1; minus strand). Cytogenetic location: 11p15.5.
Variant type: single nucleotide variant.
Coding change: c.1514+27511T>C on transcript NM_000218.3 (MANE Select); 27511 bases into the intron after coding-DNA position 1514, T replaced by C.
Molecular consequence: intron variant. On other transcripts: non-coding transcript variant (1).
Genome position (GRCh38, 1-based): chr11:2,689,592, T>C. VCF-style: chr11-2689592-T-C. GRCh37 (hg19) VCF-style: chr11-2710822-T-C.
Other names: c.1244+27511T>C (NM_001406837.1); c.1418+27511T>C (NM_001406836.1); c.974+27511T>C (NM_001406838.1); c.1133+27511T>C (NM_181798.2).
Identifiers: ClinVar variation 3060442 (VCV003060442.2), dbSNP rs231352, ClinGen allele CA13406524.